The following is an entry in ClinVar:

ClinVar aggregate classification (germline): Uncertain significance (1 of 4 stars; one submission).

Conditions:
Gorlin syndrome. Also called: Nevoid Basal Cell Carcinoma Syndrome; Basal cell nevus syndrome. Identifiers: Orphanet 377, MedGen C0004779, MONDO:0007187.

Allele frequency attached by ClinVar (database versions not stated): ExAC 0.00002; gnomAD 0.00002 and 0.00003; gnomAD exomes 0.00002; TOPMed 0.00002.
gnomAD v4.1: 24 of 1,611,436 alleles (0.0015%); highest among the groups gnomAD compares: African/African-American, 0.0027%; no homozygotes.

Submission:

Labcorp Genetics (formerly Invitae), Labcorp
Classification: Uncertain significance for Gorlin syndrome. Last evaluated: 2019-12-03. Review status: criteria provided, single submitter. Criteria: Invitae Variant Classification Sherloc (09022015). Collection method: clinical testing. Allele origin: germline.
Comment: In summary, the available evidence is currently insufficient to determine the role of this variant in disease. Therefore, it has been classified as a Variant of Uncertain Significance. Nucleotide substitutions within the consensus splice site are a relatively common cause of aberrant splicing (PMID: 17576681, 9536098). Algorithms developed to predict the effect of sequence changes on RNA splicing suggest that this variant may disrupt the consensus splice site, but this prediction has not been confirmed by published transcriptional studies. This variant has not been reported in the literature in individuals with PTCH2-related conditions. This variant is present in population databases (rs749158562, ExAC 0.004%). This sequence change falls in intron 11 of the PTCH2 gene. It does not directly change the encoded amino acid sequence of the PTCH2 protein, but it affects a nucleotide within the consensus splice site of the intron.

Literature cited by the submitters: PubMed 17576681; PubMed 9536098.

NM_003738.5(PTCH2):c.1465-3C>A

Gene: PTCH2 (patched 2; minus strand). Cytogenetic location: 1p34.1.
Variant type: single nucleotide variant.
Coding change: c.1465-3C>A on transcript NM_003738.5 (MANE Select); 3 bases into the intron before coding-DNA position 1465, C replaced by A.
Molecular consequence: intron variant.
Genome position (GRCh38, 1-based): chr1:44,828,634, G>T on the plus strand (C>A on the coding strand, the complement: PTCH2 is on the minus strand). VCF-style: chr1-44828634-G-T. GRCh37 (hg19) VCF-style: chr1-45294306-G-T.
Other names: c.1465-3C>A (NM_001166292.2).
Identifiers: ClinVar variation 863682 (VCV000863682.10), dbSNP rs749158562, ClinGen allele CA823299.